The following is an entry in ClinVar:

NM_206933.4(USH2A):c.13598C>G (p.Ser4533Ter)

Gene: USH2A (usherin; minus strand). Cytogenetic location: 1q41.
Variant type: single nucleotide variant.
Coding change: c.13598C>G on transcript NM_206933.4 (MANE Select); coding-DNA position 13598, C replaced by G.
Protein change: p.Ser4533Ter; replaces serine 4533 with a stop codon.
Molecular consequence: nonsense.
Genome position (GRCh38, 1-based): chr1:215,674,313, G>C on the plus strand (C>G on the coding strand, the complement: USH2A is on the minus strand). VCF-style: chr1-215674313-G-C. GRCh37 (hg19) VCF-style: chr1-215847655-G-C.
Other names: short protein forms S4533*.
Identifiers: ClinVar variation 846146 (VCV000846146.7), dbSNP rs1657921221, ClinGen allele CA344844396.

ClinVar aggregate classification (germline): Pathogenic (1 of 4 stars; one submission).

Submission:

Labcorp Genetics (formerly Invitae), Labcorp
Classification: Pathogenic. Last evaluated: 2022-06-13. Review status: criteria provided, single submitter. Criteria: Invitae Variant Classification Sherloc (09022015). Collection method: clinical testing. Allele origin: germline.
Comment: This sequence change creates a premature translational stop signal (p.Ser4533*) in the USH2A gene. It is expected to result in an absent or disrupted protein product. Loss-of-function variants in USH2A are known to be pathogenic (PMID: 10729113, 10909849, 20507924, 25649381). For these reasons, this variant has been classified as Pathogenic. ClinVar contains an entry for this variant (Variation ID: 846146). This variant has not been reported in the literature in individuals affected with USH2A-related conditions. This variant is not present in population databases (gnomAD no frequency).

Literature cited by the submitters: PubMed 10729113; PubMed 10909849; PubMed 20507924; PubMed 25649381.